The following is an entry in ClinVar:

NM_012463.4(ATP6V0A2):c.1062dup (p.Ser355fs)

Gene: ATP6V0A2 (ATPase H+ transporting V0 subunit a2; plus strand). Cytogenetic location: 12q24.31.
Variant type: Duplication.
Coding change: c.1062dup on transcript NM_012463.4 (MANE Select); coding-DNA position 1062, one base duplicated (C; older notation c.1062dupC).
Protein change: p.Ser355fs; shifts the reading frame from serine 355.
Molecular consequence: frameshift variant.
Genome position (GRCh38, 1-based): chr12:123,743,808, C duplicated; the last of 4 consecutive C bases (chr12:123,743,805-123,743,808); duplicating any one gives the same sequence. VCF-style (leftmost placement, unchanged base first): chr12-123743804-T-TC. GRCh37 (hg19) VCF-style: chr12-124228351-T-TC.
Other names: short protein forms S355fs.
Identifiers: ClinVar variation 840755 (VCV000840755.6), dbSNP rs958086368, ClinGen allele CA245200180.

ClinVar aggregate classification (germline): Pathogenic. Review status: criteria provided, multiple submitters, no conflicts (2 of 4 stars). 2 submissions from 2 submitters: Pathogenic (2). Last evaluated 2026-03-25.

Conditions:
ALG9 congenital disorder of glycosylation (CDG1L). Also called: ALG9-CDG; CONGENITAL DISORDER OF GLYCOSYLATION, TYPE Il; CDG Il. Identifiers: Orphanet 79328, MedGen C2931006, MONDO:0012117, OMIM 608776.
Fetal anomalies with a likely genetic cause.

Submissions (2):

Genetics Laboratory, Great Ormond Street Hospital NHS Foundation Trust, North Thames Genomic Laboratory Hub
Classification: Pathogenic for Fetal anomalies with a likely genetic cause. Last evaluated: 2026-03-25. Review status: criteria provided, single submitter. Criteria: ACGS Best Practice Guidelines for Variant Classification in Rare Disease 2024 v1.2. Collection method: clinical testing. Allele origin: germline. Affected: yes.
Comment: PM2_moderate, PVS1_very-strong, PM3_supporting

Labcorp Genetics (formerly Invitae), Labcorp
Classification: Pathogenic for ALG9 congenital disorder of glycosylation. Last evaluated: 2021-08-28. Review status: criteria provided, single submitter. Criteria: Invitae Variant Classification Sherloc (09022015). Collection method: clinical testing. Allele origin: germline.